The following is an entry in ClinVar:

ClinVar aggregate classification (germline): Uncertain significance (1 of 4 stars; one submission).

Allele frequency attached by ClinVar (database versions not stated): gnomAD exomes below 0.00001; gnomAD 0.00001; TOPMed 0.00001.
gnomAD v4.1: 3 of 1,613,756 alleles (0.00019%); highest among the groups gnomAD compares: Non-Finnish European, 0.00025%; no homozygotes.

Submission:

Labcorp Genetics (formerly Invitae), Labcorp
Classification: Uncertain significance. Last evaluated: 2024-02-16. Review status: criteria provided, single submitter. Criteria: Invitae Variant Classification Sherloc (09022015). Collection method: clinical testing. Allele origin: germline.
Comment: This sequence change replaces proline, which is neutral and non-polar, with serine, which is neutral and polar, at codon 177 of the DNM1L protein (p.Pro177Ser). This variant is not present in population databases (gnomAD no frequency). This variant has not been reported in the literature in individuals affected with DNM1L-related conditions. ClinVar contains an entry for this variant (Variation ID: 2200967). An algorithm developed to predict the effect of missense changes on protein structure and function (PolyPhen-2) suggests that this variant is likely to be disruptive. In summary, the available evidence is currently insufficient to determine the role of this variant in disease. Therefore, it has been classified as a Variant of Uncertain Significance.

NM_012062.5(DNM1L):c.529C>T (p.Pro177Ser)

Gene: DNM1L (dynamin 1 like; plus strand). Cytogenetic location: 12p11.21.
Variant type: single nucleotide variant.
Coding change: c.529C>T on transcript NM_012062.5 (MANE Select); coding-DNA position 529, C replaced by T.
Protein change: p.Pro177Ser; replaces proline 177 with serine.
Molecular consequence: missense variant. On other transcripts: intron variant (1).
Genome position (GRCh38, 1-based): chr12:32,713,281, C>T. VCF-style: chr12-32713281-C-T. GRCh37 (hg19) VCF-style: chr12-32866215-C-T.
Other names: c.529C>T, p.Pro177Ser (NM_001278463.2, NM_005690.5, NM_012063.4); c.568C>T, p.Pro190Ser (NM_001278464.2, NM_001278465.2, NM_001330380.2); c.131+5868C>T (NM_001278466.2); short protein forms P177S, P190S.
Identifiers: ClinVar variation 2200967 (VCV002200967.4), dbSNP rs1381541976, ClinGen allele CA384367538.